The following is an entry in ClinVar:

NM_000138.5(FBN1):c.5268C>A (p.Val1756=)

Gene: FBN1 (fibrillin 1; minus strand). Cytogenetic location: 15q21.1.
Variant type: single nucleotide variant.
Coding change: c.5268C>A on transcript NM_000138.5 (MANE Select); coding-DNA position 5268, C replaced by A.
Protein change: p.Val1756=; no amino-acid change (valine 1756 retained).
Molecular consequence: synonymous variant.
Genome position (GRCh38, 1-based): chr15:48,460,274, G>T on the plus strand (C>A on the coding strand, the complement: FBN1 is on the minus strand). VCF-style: chr15-48460274-G-T. GRCh37 (hg19) VCF-style: chr15-48752471-G-T.
Identifiers: ClinVar variation 630509 (VCV000630509.11), dbSNP rs764685311, ClinGen allele CA054554.

ClinVar aggregate classification (germline): Likely benign. Review status: criteria provided, multiple submitters, no conflicts (2 of 4 stars). 4 submissions from 4 submitters: Likely benign (4). Last evaluated 2025-10-01.

Conditions:
Familial thoracic aortic aneurysm and aortic dissection (TAAD). Also called: Thoracic aortic aneurysms and dissections. Identifiers: Orphanet 91387, MedGen C4707243, MONDO:0019625.
Marfan syndrome (MFS). Also called: FBN1-Related Marfan Syndrome; Marfan syndrome type 1; Marfan's syndrome; Marfan syndrome, classic; MARFAN SYNDROME, TYPE I. Identifiers: Orphanet 284963, Orphanet 558, MedGen C0024796, MONDO:0007947, OMIM 154700.

Allele frequency attached by ClinVar (database versions not stated): ExAC 0.00001; gnomAD exomes below 0.00001 and 0.00001.
gnomAD v4.1: 7 of 1,613,656 alleles (0.00043%); highest among the groups gnomAD compares: Middle Eastern, 0.05%; no homozygotes.

Submissions (4):

Labcorp Genetics (formerly Invitae), Labcorp
Classification: Likely benign for Marfan syndrome; Familial thoracic aortic aneurysm and aortic dissection. Last evaluated: 2025-10-01. Review status: criteria provided, single submitter. Criteria: Invitae Variant Classification Sherloc (09022015). Collection method: clinical testing. Allele origin: germline.

Women's Health and Genetics/Laboratory Corporation of America, LabCorp
Classification: Likely benign. Last evaluated: 2024-12-06. Review status: criteria provided, single submitter. Criteria: LabCorp Variant Classification Summary - May 2015. Collection method: clinical testing. Allele origin: germline.

All of Us Research Program, National Institutes of Health
Classification: Likely benign for Marfan syndrome. Last evaluated: 2023-07-10. Review status: criteria provided, single submitter. Criteria: ACMG Guidelines, 2015. Collection method: clinical testing. Allele origin: germline. Inheritance: Autosomal dominant inheritance. Observed: 1 variant allele, 1 heterozygote.
Comment: This study involves interpretation of variants in research participants for the purpose of population health screening. Participant phenotype was not available at the time of variant classification. Additional details can be found in publication PMID: 35346344, PMCID: PMC8962531

Color Diagnostics, LLC DBA Color Health
Classification: Likely benign for Familial thoracic aortic aneurysm and aortic dissection. Last evaluated: 2018-10-16. Review status: criteria provided, single submitter. Criteria: ACMG Guidelines, 2015. Collection method: clinical testing. Allele origin: germline.